The following is an entry in ClinVar:

NM_000275.3(OCA2):c.287A>C (p.Glu96Ala)

Gene: OCA2 (OCA2 melanosomal transmembrane protein; minus strand). Cytogenetic location: 15q13.1.
Variant type: single nucleotide variant.
Coding change: c.287A>C on transcript NM_000275.3 (MANE Select); coding-DNA position 287, A replaced by C.
Protein change: p.Glu96Ala; replaces glutamic acid 96 with alanine.
Molecular consequence: missense variant.
Genome position (GRCh38, 1-based): chr15:28,032,104, T>G on the plus strand (A>C on the coding strand, the complement: OCA2 is on the minus strand). VCF-style: chr15-28032104-T-G. GRCh37 (hg19) VCF-style: chr15-28277250-T-G.
Other names: c.287A>C (NM_000275.2); c.287A>C, p.Glu96Ala (NM_001300984.2); short protein forms E96A.
Identifiers: ClinVar variation 2137638 (VCV002137638.14), dbSNP rs748287294, ClinGen allele CA7439528.

ClinVar aggregate classification (germline): Pathogenic/Likely pathogenic. Review status: criteria provided, multiple submitters, no conflicts (2 of 4 stars). 6 submissions from 6 submitters: Pathogenic (2); Likely pathogenic (4). Last evaluated 2026-03-16.

Conditions:
OCA2-related disorder. Also called: OCA2-related condition.
Oculocutaneous albinism. Identifiers: Orphanet 55, MedGen C0078918, MONDO:0018910.
SKIN/HAIR/EYE PIGMENTATION 1, BLUE/NONBLUE EYES (SHEP1). Also called: BROWN EYE COLOR 2; EYE COLOR 3; EYE COLOR, BLUE/NONBLUE; EYE COLOR, BROWN/BLUE; HAIR COLOR 3; SKIN/HAIR/EYE PIGMENTATION 1, BLOND/BROWN HAIR. Identifiers: MedGen C1856895, OMIM 227220.

Allele frequency attached by ClinVar (database versions not stated): gnomAD 0.00001; TOPMed 0.00001; ExAC 0.00002; gnomAD exomes 0.00002.
gnomAD v4.1: 33 of 1,614,026 alleles (0.002%); highest among the groups gnomAD compares: Non-Finnish European, 0.0026%; no homozygotes.

Submissions (6):

GeneDx
Classification: Likely pathogenic. Last evaluated: 2026-03-16. Review status: criteria provided, single submitter. Criteria: GeneDx Variant Classification Process June 2021. Collection method: clinical testing. Allele origin: germline.
Comment: Published functional studies demonstrate mislocalization of the protein (PMID: 39636647); In silico analysis supports that this missense variant has a deleterious effect on protein structure/function; Not observed at significant frequency in large population cohorts (gnomAD); This variant is associated with the following publications: (PMID: 39636647, 19060277)

PreventionGenetics, part of Exact Sciences
Classification: Likely pathogenic for OCA2-related condition. Last evaluated: 2025-04-24. Review status: criteria provided, single submitter. Criteria: ACMG Guidelines, 2015. Collection method: clinical testing. Allele origin: germline.
Comment: The OCA2 c.287A>C variant is predicted to result in the amino acid substitution p.Glu96Ala. This variant has been reported in both the homozygous and compound heterozygous states in individuals with oculocutaneous albinism (Grønskov et al 2009. PubMed ID: 19060277; Mauri et al. 2016. PubMed ID: 27734839; Table S3 in Lasseaux et al. 2018. PubMed ID: 29345414). This variant is reported in 0.0029% of alleles in individuals of Latino descent in gnomAD. Given the evidence, we interpret this variant as likely pathogenic.

Blueprint Genetics
Classification: Pathogenic for OCA2-related disorders. Last evaluated: 2024-03-18. Review status: criteria provided, single submitter. Criteria: ACMG Guidelines, 2015. Collection method: clinical testing. Allele origin: germline. Affected: yes. Observed: 2 variant alleles.

Labcorp Genetics (formerly Invitae), Labcorp
Classification: Pathogenic. Last evaluated: 2023-12-18. Review status: criteria provided, single submitter. Criteria: Invitae Variant Classification Sherloc (09022015). Collection method: clinical testing. Allele origin: germline.
Comment: This sequence change replaces glutamic acid, which is acidic and polar, with alanine, which is neutral and non-polar, at codon 96 of the OCA2 protein (p.Glu96Ala). This variant is present in population databases (rs748287294, gnomAD 0.003%). This missense change has been observed in individual(s) with oculocutaneous albinism (PMID: 19060277, 27734839, 29345414; Invitae). In at least one individual the data is consistent with being in trans (on the opposite chromosome) from a pathogenic variant. ClinVar contains an entry for this variant (Variation ID: 2137638). Advanced modeling of protein sequence and biophysical properties (such as structural, functional, and spatial information, amino acid conservation, physicochemical variation, residue mobility, and thermodynamic stability) has been performed at Invitae for this missense variant, however the output from this modeling did not meet the statistical confidence thresholds required to predict the impact of this variant on OCA2 protein function. This variant disrupts the p.Glu96 amino acid residue in OCA2. Other variant(s) that disrupt this residue have been observed in individuals with OCA2-related conditions (Invitae), which suggests that this may be a clinically significant amino acid residue. For these reasons, this variant has been classified as Pathogenic.

Baylor Genetics
Classification: Likely pathogenic for SKIN/HAIR/EYE PIGMENTATION 1, BLUE/NONBLUE EYES. Last evaluated: 2023-11-26. Review status: criteria provided, single submitter. Criteria: ACMG Guidelines, 2015. Collection method: clinical testing. Allele origin: unknown.

Women's Health and Genetics/Laboratory Corporation of America, LabCorp
Classification: Likely pathogenic for Oculocutaneous albinism. Last evaluated: 2023-08-28. Review status: criteria provided, single submitter. Criteria: LabCorp Variant Classification Summary - May 2015. Collection method: clinical testing. Allele origin: germline.
Comment: Variant summary: OCA2 c.287A>C (p.Glu96Ala) results in a non-conservative amino acid change in the encoded protein sequence. Four of five in-silico tools predict a damaging effect of the variant on protein function. The variant allele was found at a frequency of 1.2e-05 in 251472 control chromosomes (gnomAD). c.287A>C has been reported in the literature in individuals affected with Oculocutaneous Albinism (examples: Gronskov_2009, Lasseaux_2018, Mauri_2017, Kessel_2021). These data indicate that the variant is likely to be associated with disease. To our knowledge, no experimental evidence demonstrating an impact on protein function has been reported. The following publications have been ascertained in the context of this evaluation (PMID: 19060277, 33612058, 29345414, 27734839). One submitter has cited clinical-significance assessments for this variant to ClinVar after 2014 and has classified the variant as likely pathogenic. Based on the evidence outlined above, the variant was classified as likely pathogenic.

Literature cited by the submitters: PubMed 19060277 (cited by Labcorp Genetics (formerly Invitae), Labcorp and Women's Health and Genetics/Laboratory Corporation of America, LabCorp); PubMed 27734839 (cited by Labcorp Genetics (formerly Invitae), Labcorp and Women's Health and Genetics/Laboratory Corporation of America, LabCorp); PubMed 29345414 (cited by Labcorp Genetics (formerly Invitae), Labcorp and Women's Health and Genetics/Laboratory Corporation of America, LabCorp); PubMed 33612058 (cited by Women's Health and Genetics/Laboratory Corporation of America, LabCorp).